The following is an entry in ClinVar:

NC_000006.11:g.(?_24505077)_(24533940_?)del

Gene: ALDH5A1 (aldehyde dehydrogenase 5 family member A1; plus strand). Cytogenetic location: 6p22.3.
Variant type: Deletion.
Identifiers: ClinVar variation 2423633 (VCV002423633.3).

ClinVar aggregate classification (germline): Pathogenic (1 of 4 stars; one submission).

Conditions:
Succinate-semialdehyde dehydrogenase deficiency (SSADHD). Also called: Succinic Semialdehyde Dehydrogenase Deficiency; 4-HYDROXYBUTYRIC ACIDURIA; GABA METABOLIC DEFECT; SSADH DEFICIENCY. Identifiers: Orphanet 22, MedGen C0268631, MONDO:0010083, OMIM 271980.

Submission:

Labcorp Genetics (formerly Invitae), Labcorp
Classification: Pathogenic for Succinate-semialdehyde dehydrogenase deficiency. Last evaluated: 2022-07-01. Review status: criteria provided, single submitter. Criteria: Invitae Variant Classification Sherloc (09022015). Collection method: clinical testing. Allele origin: germline.
Comment: This variant is a gross deletion of the genomic region encompassing exon(s) 4-10 of the ALDH5A1 gene, which includes the termination codon. This deletion extends beyond the assayed region for this gene and therefore may encompass additional genes. While this deletion is not anticipated to lead to nonsense mediated decay, it is expected to alter mRNA translation or result in a truncated protein product. This variant has not been reported in the literature in individuals affected with ALDH5A1-related conditions. This variant disrupts a region of the ALDH5A1 protein in which other variant(s) (p.Gly533Arg) have been determined to be pathogenic (PMID: 14635103, 27104484; Invitae). This suggests that this is a clinically significant region of the protein, and that variants that disrupt it are likely to be disease-causing. For these reasons, this variant has been classified as Pathogenic.

Literature cited by the submitters: PubMed 14635103; PubMed 27104484.